The following is an entry in ClinVar:

ClinVar aggregate classification (germline): Likely benign. Review status: criteria provided, single submitter (1 of 4 stars). 2 submissions from 2 submitters: Likely benign (1). 1 of the submissions does not count toward it. Last evaluated 2024-08-19.

Conditions:
ACY1-related disorder. Also called: ACY1-related condition.

Allele frequency attached by ClinVar (database versions not stated): gnomAD 0.00003; ExAC 0.00005.

Submissions (2):

Blueprint Genetics
Classification: Likely benign. Last evaluated: 2024-08-19. Review status: criteria provided, single submitter. Criteria: ACMG Guidelines, 2015. Collection method: clinical testing. Allele origin: germline.

PreventionGenetics, part of Exact Sciences
Classification: Likely benign for ACY1-related condition. Last evaluated: 2020-04-07. Review status: no assertion criteria provided. Collection method: clinical testing. Allele origin: germline. Not counted in ClinVar's aggregate classification.
Comment: This variant is classified as likely benign based on ACMG/AMP sequence variant interpretation guidelines (Richards et al. 2015 PMID: 25741868, with internal and published modifications).

NM_000666.3(ACY1):c.1001+8C>T

Genes: ABHD14A-ACY1 (ABHD14A-ACY1 readthrough; plus strand), ACY1 (aminoacylase 1; plus strand). Cytogenetic location: 3p21.2.
Variant type: single nucleotide variant.
Coding change: c.1001+8C>T on transcript NM_000666.3 (MANE Select); 8 bases into the intron after coding-DNA position 1001, C replaced by T.
Molecular consequence: intron variant.
Genome position (GRCh38, 1-based): chr3:51,988,611, C>T. VCF-style: chr3-51988611-C-T. GRCh37 (hg19) VCF-style: chr3-52022627-C-T.
Other names: c.1271+8C>T (NM_001316331.2); c.806+8C>T (NM_001198897.2); c.785+8C>T (NM_001198896.2); c.896+8C>T (NM_001198898.2); c.1001+8C>T (NM_001198895.2).
Identifiers: ClinVar variation 3046603 (VCV003046603.3), dbSNP rs761153702, ClinGen allele CA2428706.